The following is an entry in ClinVar:

NM_003014.4(SFRP4):c.180del (p.Gln60fs)

Gene: SFRP4 (secreted frizzled related protein 4; minus strand). Cytogenetic location: 7p14.1.
Variant type: Deletion.
Coding change: c.180del on transcript NM_003014.4 (MANE Select); coding-DNA position 180, one base deleted (G; older notation c.180delG).
Protein change: p.Gln60fs; shifts the reading frame from glutamine 60.
Molecular consequence: frameshift variant.
Genome position (GRCh38, 1-based): chr7:37,916,358, C deleted on the plus strand (G on the coding strand, the reverse complement: SFRP4 is on the minus strand). VCF-style (leftmost placement, unchanged base first): chr7-37916357-AC-A. GRCh37 (hg19) VCF-style: chr7-37955959-AC-A.
Other names: short protein forms Q60fs.
Identifiers: ClinVar variation 4819365 (VCV004819365.1).

ClinVar aggregate classification (germline): Pathogenic (1 of 4 stars; one submission).

Conditions:
Pyle metaphyseal dysplasia (PYL). Also called: Pyle disease; Metaphyseal dysostosis. Identifiers: Orphanet 3005, MedGen C0265294, MONDO:0009943, OMIM 265900.

Submission:

Clinical Biomedical Laboratory, Shriners Hospital For Children - Canada
Classification: Pathogenic for Pyle metaphyseal dysplasia. Review status: criteria provided, single submitter. Criteria: ACMG Guidelines, 2015. Collection method: clinical testing. Allele origin: germline. Affected: yes.
Comment: This variant is predicted to delete one nucleotides in the coding region of SFRP4, which introduces a frameshift and leads to a premature stop codon 8 amino acids downstream. This is expected to lead to degradation of the affected transcript and loss of function. In the Genome Aggregation Database (gnomAD v2.1.1) this variant is absent, indicating it is very rare. Based on the ACMG variant interpretation guidelines (criteria: PVS1, PM2, PM3, PP4), this is a pathogenic variant.